The following is an entry in ClinVar:

ClinVar aggregate classification (germline): Uncertain significance. Review status: criteria provided, multiple submitters, no conflicts (2 of 4 stars). 2 submissions from 2 submitters: Uncertain significance (2). Last evaluated 2024-07-26.

Conditions:
LAMA2-related muscular dystrophy (LAMA2-RD). Also called: Laminin alpha 2-related dystrophy. Identifiers: MedGen C5679788, MONDO:0100228.

Allele frequency attached by ClinVar (database versions not stated): gnomAD exomes 0.00001; TOPMed 0.00001; gnomAD 0.00002.
gnomAD v4.1: 25 of 1,614,050 alleles (0.0015%); highest among the groups gnomAD compares: Non-Finnish European, 0.0019%; no homozygotes.

Submissions (2):

Mayo Clinic Laboratories, Mayo Clinic
Classification: Uncertain significance. Last evaluated: 2024-07-26. Review status: criteria provided, single submitter. Criteria: ACMG Guidelines, 2015. Collection method: clinical testing. Allele origin: germline. Observed: 1 variant allele.
Comment: BP4

Labcorp Genetics (formerly Invitae), Labcorp
Classification: Uncertain significance for LAMA2-related muscular dystrophy. Last evaluated: 2022-05-12. Review status: criteria provided, single submitter. Criteria: Invitae Variant Classification Sherloc (09022015). Collection method: clinical testing. Allele origin: germline.
Comment: This sequence change replaces alanine, which is neutral and non-polar, with glycine, which is neutral and non-polar, at codon 2723 of the LAMA2 protein (p.Ala2723Gly). This variant is present in population databases (no rsID available, gnomAD 0.002%). This variant has not been reported in the literature in individuals affected with LAMA2-related conditions. Advanced modeling of protein sequence and biophysical properties (such as structural, functional, and spatial information, amino acid conservation, physicochemical variation, residue mobility, and thermodynamic stability) performed at Invitae indicates that this missense variant is not expected to disrupt LAMA2 protein function. In summary, the available evidence is currently insufficient to determine the role of this variant in disease. Therefore, it has been classified as a Variant of Uncertain Significance.

NM_000426.4(LAMA2):c.8168C>G (p.Ala2723Gly)

Gene: LAMA2 (laminin subunit alpha 2; plus strand). Cytogenetic location: 6q22.33.
Variant type: single nucleotide variant.
Coding change: c.8168C>G on transcript NM_000426.4 (MANE Select); coding-DNA position 8168, C replaced by G.
Protein change: p.Ala2723Gly; replaces alanine 2723 with glycine.
Molecular consequence: missense variant.
Genome position (GRCh38, 1-based): chr6:129,492,407, C>G. VCF-style: chr6-129492407-C-G. GRCh37 (hg19) VCF-style: chr6-129813552-C-G.
Other names: p.Ala2723Gly; c.8156C>G, p.Ala2719Gly (NM_001079823.2); c.8168C>G (NM_000426.3); short protein forms A2719G, A2723G.
Identifiers: ClinVar variation 1360916 (VCV001360916.6), dbSNP rs1301797060, ClinGen allele CA365631486.
Genomic context (GRCh38, chr6:129,492,407, plus strand): 5'-AAAATGCTGACATTGGTCGCTGTGCCCATCAGAAACTCCGTGAAGATGAAGATGGAGCAG[C>G]TCCAGCTGAAATAGTTATCCAGCCTGAGCCAGTTCCCACCCCAGCCTTTCCTACGCCCAC-3'
Protein context (NP_000417.3, residues 2713-2733): QKLREDEDGA[Ala2723Gly]PAEIVIQPEP